The following is an entry in ClinVar:

ClinVar aggregate classification (germline): Likely benign (1 of 4 stars; one submission).

Allele frequency attached by ClinVar (database versions not stated): gnomAD 0.00042; ExAC 0.00149; 1000 Genomes Project 30x 0.00203; 1000 Genomes Project 0.00319.
gnomAD v4.1: 972 of 1,587,952 alleles (0.061%); highest among the groups gnomAD compares: South Asian, 0.95%; 85 homozygotes.

Submission:

CeGaT Center for Human Genetics Tuebingen
Classification: Likely benign. Last evaluated: 2025-09-01. Review status: criteria provided, single submitter. Criteria: CeGaT Center For Human Genetics Tuebingen Variant Classification Criteria Version 2. Collection method: clinical testing. Allele origin: germline. Affected: yes. Observed: 3 variant alleles.
Comment: AHNAK2: BP4, BP7, BS2

NM_138420.4(AHNAK2):c.5904G>A (p.Ala1968=)

Gene: AHNAK2 (AHNAK nucleoprotein 2; minus strand). Cytogenetic location: 14q32.33.
Variant type: single nucleotide variant.
Coding change: c.5904G>A on transcript NM_138420.4 (MANE Select); coding-DNA position 5904, G replaced by A.
Protein change: p.Ala1968=; no amino-acid change (alanine 1968 retained).
Molecular consequence: synonymous variant.
Genome position (GRCh38, 1-based): chr14:104,949,547, C>T on the plus strand (G>A on the coding strand, the complement: AHNAK2 is on the minus strand). VCF-style: chr14-104949547-C-T. GRCh37 (hg19) VCF-style: chr14-105415884-C-T.
Other names: c.5604G>A, p.Ala1868= (NM_001350929.2).
Identifiers: ClinVar variation 2644773 (VCV002644773.24), dbSNP rs202170386, ClinGen allele CA7381450.